The following is an entry in ClinVar:

ClinVar aggregate classification (germline): Uncertain significance. Review status: criteria provided, multiple submitters, no conflicts (2 of 4 stars). 2 submissions from 2 submitters: Uncertain significance (2). Last evaluated 2025-12-18.

Conditions:
Familial cold autoinflammatory syndrome 4 (FCAS4). Identifiers: Orphanet 47045, Orphanet 576349, MedGen C4015276, MONDO:0014498, OMIM 616115.
Periodic fever-infantile enterocolitis-autoinflammatory syndrome. Also called: Autoinflammation with infantile enterocolitis. Identifiers: Orphanet 436166, MedGen C4015067, MONDO:0014472, OMIM 616050.
Autoinflammatory syndrome. Identifiers: Orphanet 93665, MedGen C3890737, MONDO:0019751.

Allele frequency attached by ClinVar (database versions not stated): ExAC 0.00002; gnomAD exomes 0.00002 and 0.00003.
gnomAD v4.1: 14 of 1,573,406 alleles (0.00089%); highest among the groups gnomAD compares: South Asian, 0.017%; no homozygotes.

Submissions (2):

Labcorp Genetics (formerly Invitae), Labcorp
Classification: Uncertain significance for Periodic fever-infantile enterocolitis-autoinflammatory syndrome; Familial cold autoinflammatory syndrome 4. Last evaluated: 2025-12-18. Review status: criteria provided, single submitter. Criteria: Invitae Variant Classification Sherloc (09022015). Collection method: clinical testing. Allele origin: germline.
Comment: This sequence change replaces asparagine, which is neutral and polar, with lysine, which is basic and polar, at codon 934 of the NLRC4 protein (p.Asn934Lys). This variant is present in population databases (rs748341490, gnomAD 0.02%). This variant has not been reported in the literature in individuals affected with NLRC4-related conditions. ClinVar contains an entry for this variant (Variation ID: 1506842). Invitae Evidence Modeling of protein sequence and biophysical properties (such as structural, functional, and spatial information, amino acid conservation, physicochemical variation, residue mobility, and thermodynamic stability) indicates that this missense variant is not expected to disrupt NLRC4 protein function with a negative predictive value of 80%. In summary, the available evidence is currently insufficient to determine the role of this variant in disease. Therefore, it has been classified as a Variant of Uncertain Significance.

Genome Diagnostics Laboratory, The Hospital for Sick Children
Classification: Uncertain significance for Autoinflammatory syndrome. Last evaluated: 2018-07-01. Review status: criteria provided, single submitter. Criteria: ACMG Guidelines, 2015. Collection method: clinical testing. Allele origin: germline. Affected: yes.

NM_001199138.2(NLRC4):c.2802C>G (p.Asn934Lys)

Gene: NLRC4 (NLR family CARD domain containing 4; minus strand). Cytogenetic location: 2p22.3.
Variant type: single nucleotide variant.
Coding change: c.2802C>G on transcript NM_001199138.2 (MANE Select); coding-DNA position 2802, C replaced by G.
Protein change: p.Asn934Lys; replaces asparagine 934 with lysine.
Molecular consequence: missense variant.
Genome position (GRCh38, 1-based): chr2:32,224,746, G>C on the plus strand (C>G on the coding strand, the complement: NLRC4 is on the minus strand). VCF-style: chr2-32224746-G-C. GRCh37 (hg19) VCF-style: chr2-32449815-G-C.
Other names: c.2802C>G, p.Asn934Lys (NM_001199139.2, NM_021209.5); c.807C>G, p.Asn269Lys (NM_001302504.2); short protein forms N934K, N269K.
Identifiers: ClinVar variation 1506842 (VCV001506842.10), dbSNP rs748341490, ClinGen allele CA1601666.